The following is an entry in ClinVar:

NM_033305.3(VPS13A):c.1758T>C (p.Ala586=)

Gene: VPS13A (vacuolar protein sorting 13 homolog A; plus strand). Cytogenetic location: 9q21.2.
Variant type: single nucleotide variant.
Coding change: c.1758T>C on transcript NM_033305.3 (MANE Select); coding-DNA position 1758, T replaced by C.
Protein change: p.Ala586=; no amino-acid change (alanine 586 retained).
Molecular consequence: synonymous variant.
Genome position (GRCh38, 1-based): chr9:77,238,164, T>C. VCF-style: chr9-77238164-T-C. GRCh37 (hg19) VCF-style: chr9-79853080-T-C.
Other names: p.Ala586=; c.1758T>C, p.Ala586= (NM_001018037.2, NM_001018038.3, NM_015186.4).
Identifiers: ClinVar variation 367357 (VCV000367357.51), dbSNP rs149037185, ClinGen allele CA5091768.
Genomic context (GRCh38, chr9:77,238,164, plus strand): 5'-AATTACATTTGAGATAAATCCATTAGATGAAACTGTTTCTCAGAGGTGTATCATAGAAGC[T>C]GAACCTTTAGAAATCATATATGATGCAGTAAGCATTTTTTTAAATTACTAAGTTTTAATA-3'
Protein context (NP_150648.2, residues 576-596): ETVSQRCIIE[Ala586=]EPLEIIYDAR

ClinVar aggregate classification (germline): Benign/Likely benign. Review status: criteria provided, multiple submitters, no conflicts (2 of 4 stars). 12 submissions from 12 submitters: Benign (3); Likely benign (5). 4 of the submissions do not count toward it. Last evaluated 2026-08-01.

Conditions:
VPS13A-related neurodegenerative disease. Also called: Chorea-acanthocytosis; VPS13A Disease; Choreaacanthocytosis; ACANTHOCYTOSIS WITH NEUROLOGIC DISORDER; LEVINE-CRITCHLEY SYNDROME; Choreoacanthocytosis. Identifiers: Orphanet 2388, MedGen C0393576, MONDO:0008695, OMIM 200150.

Allele frequency attached by ClinVar (database versions not stated): 1000 Genomes Project 0.00060; 1000 Genomes Project 30x 0.00094; ESP Exome Variant Server 0.00185; TOPMed 0.00190; ExAC 0.00193; gnomAD exomes 0.00194 and 0.00238; gnomAD 0.00197 and 0.00199.
gnomAD v4.1: 3,813 of 1,613,638 alleles (0.24%); highest among the groups gnomAD compares: Middle Eastern, 0.48%; 13 homozygotes.

Submissions (12):

CeGaT Center for Human Genetics Tuebingen
Classification: Likely benign. Last evaluated: 2026-08-01. Review status: criteria provided, single submitter. Criteria: CeGaT Center For Human Genetics Tuebingen Variant Classification Criteria Version 2. Collection method: clinical testing. Allele origin: germline. Affected: yes. Observed: 7 variant alleles.
Comment: VPS13A: BP4, BS2

Labcorp Genetics (formerly Invitae), Labcorp
Classification: Benign. Last evaluated: 2026-01-28. Review status: criteria provided, single submitter. Criteria: Invitae Variant Classification Sherloc (09022015). Collection method: clinical testing. Allele origin: germline.

Mayo Clinic Laboratories, Mayo Clinic
Classification: Benign. Last evaluated: 2025-03-07. Review status: criteria provided, single submitter. Criteria: ACMG Guidelines, 2015. Collection method: clinical testing. Allele origin: germline. Observed: 4 variant alleles.
Comment: BS1, BS2, BP4, BP7

Blueprint Genetics
Classification: Likely benign. Last evaluated: 2024-11-19. Review status: criteria provided, single submitter. Criteria: ACMG Guidelines, 2015. Collection method: clinical testing. Allele origin: germline.

Fulgent Genetics
Classification: Likely benign for VPS13A-related neurodegenerative disease. Last evaluated: 2021-11-17. Review status: criteria provided, single submitter. Criteria: ACMG Guidelines, 2015. Collection method: clinical testing. Allele origin: unknown.

GeneDx
Classification: Likely benign. Last evaluated: 2021-09-29. Review status: criteria provided, single submitter. Criteria: GeneDx Variant Classification Process June 2021. Collection method: clinical testing. Allele origin: germline. Affected: yes.

Athena Diagnostics
Classification: Benign. Last evaluated: 2020-10-05. Review status: criteria provided, single submitter. Criteria: Athena Diagnostics criteria. Collection method: clinical testing. Allele origin: unknown.

Illumina Laboratory Services, Illumina
Classification: Likely benign for VPS13A-related neurodegenerative disease. Last evaluated: 2018-01-13. Review status: criteria provided, single submitter. Criteria: ICSL Variant Classification Criteria 13 December 2019. Collection method: clinical testing. Allele origin: germline.
Comment: This variant was observed in the ICSL laboratory as part of a predisposition screen in an ostensibly healthy population. It had not been previously curated by ICSL or reported in the Human Gene Mutation Database (HGMD: prior to June 1st, 2018), and was therefore a candidate for classification through an automated scoring system. Utilizing variant allele frequency, disease prevalence and penetrance estimates, and inheritance mode, an automated score was calculated to assess if this variant is too frequent to cause the disease. Based on the score and internal cut-off values, a variant classified as likely benign is not then subjected to further curation. The score for this variant resulted in a classification of likely benign for this disease.

Natera, Inc.
Classification: Benign for Choreaacanthocytosis. Last evaluated: 2019-10-22. Review status: no assertion criteria provided. Collection method: clinical testing. Allele origin: germline. Not counted in ClinVar's aggregate classification.

Clinical Genetics DNA and cytogenetics Diagnostics Lab, Erasmus MC, Erasmus Medical Center
Classification: Likely benign. Review status: no assertion criteria provided. Collection method: clinical testing. Allele origin: germline. Affected: yes. Study: VKGL Data-share Consensus. Not counted in ClinVar's aggregate classification.

Diagnostic Laboratory, Department of Genetics, University Medical Center Groningen
Classification: Likely benign for VPS13A-related neurodegenerative disease. Review status: no assertion criteria provided. Collection method: clinical testing. Allele origin: germline. Affected: yes. Study: VKGL Data-share Consensus. Not counted in ClinVar's aggregate classification.

Genome Diagnostics Laboratory, Amsterdam University Medical Center
Classification: Likely benign. Review status: no assertion criteria provided. Collection method: clinical testing. Allele origin: germline. Affected: yes. Study: VKGL Data-share Consensus. Not counted in ClinVar's aggregate classification.